The following is an entry in ClinVar:

ClinVar aggregate classification (germline): Uncertain significance (1 of 4 stars; one submission).

gnomAD v4.1: 1 of 1,614,196 alleles (0.000062%); highest among the groups gnomAD compares: Non-Finnish European, 0.000085%; no homozygotes.

Submission:

GeneDx
Classification: Uncertain significance. Last evaluated: 2024-11-26. Review status: criteria provided, single submitter. Criteria: GeneDx Variant Classification Process June 2021. Collection method: clinical testing. Allele origin: germline.
Comment: Not observed at significant frequency in large population cohorts (gnomAD); In silico analysis supports that this missense variant has a deleterious effect on protein structure/function; Has not been previously published as pathogenic or benign to our knowledge

NM_000193.4(SHH):c.122C>G (p.Pro41Arg)

Gene: SHH (sonic hedgehog signaling molecule; minus strand). Cytogenetic location: 7q36.3.
Variant type: single nucleotide variant.
Coding change: c.122C>G on transcript NM_000193.4 (MANE Select); coding-DNA position 122, C replaced by G.
Protein change: p.Pro41Arg; replaces proline 41 with arginine.
Molecular consequence: missense variant.
Genome position (GRCh38, 1-based): chr7:155,812,001, G>C on the plus strand (C>G on the coding strand, the complement: SHH is on the minus strand). VCF-style: chr7-155812001-G-C. GRCh37 (hg19) VCF-style: chr7-155604695-G-C.
Other names: short protein forms P41R.
Identifiers: ClinVar variation 3365111 (VCV003365111.2).